The following is an entry in ClinVar:

NM_001195305.3(BBIP1):c.44del (p.Asn15fs)

Gene: BBIP1 (BBSome interacting protein 1; minus strand). Cytogenetic location: 10q25.2.
Variant type: Deletion.
Coding change: c.44del on transcript NM_001195305.3 (MANE Select); coding-DNA position 44, one base deleted (A; older notation c.44delA).
Protein change: p.Asn15fs; shifts the reading frame from asparagine 15.
Molecular consequence: frameshift variant. On other transcripts: 5 prime UTR variant (1), intron variant (1).
Genome position (GRCh38, 1-based): chr10:110,901,606, T deleted on the plus strand (A on the coding strand, the reverse complement: BBIP1 is on the minus strand); the first of 6 consecutive T bases (chr10:110,901,606-110,901,611); deleting any one gives the same sequence. VCF-style (leftmost placement, unchanged base first): chr10-110901605-GT-G. GRCh37 (hg19) VCF-style: chr10-112661363-GT-G.
Other names: c.201del, p.Lys67fs (NM_001195304.2); c.44del, p.Asn15fs (NM_001195306.2); c.-23del (NM_001243783.3); c.38-1080del (NM_001195307.2); c.44delA (NM_001195306.1); short protein forms N15fs, K67fs.
Identifiers: ClinVar variation 942236 (VCV000942236.9), dbSNP rs1308621483, ClinGen allele CA659836854.

ClinVar aggregate classification (germline): Uncertain significance. Review status: criteria provided, multiple submitters, no conflicts (2 of 4 stars). 3 submissions from 3 submitters: Uncertain significance (3). Last evaluated 2023-03-29.

Conditions:
BBIP1-related disorder. Also called: BBIP1-related condition.

Submissions (3):

PreventionGenetics, part of Exact Sciences
Classification: Uncertain significance for BBIP1-related condition. Last evaluated: 2023-03-29. Review status: criteria provided, single submitter. Criteria: ACMG Guidelines, 2015. Collection method: clinical testing. Allele origin: germline.
Comment: The BBIP1 c.44delA variant is predicted to result in a frameshift and premature protein termination (p.Asn15Thrfs*12). To our knowledge, this variant has not been reported in the literature or in a large population database, indicating this variant is rare. Although we suspect that this variant may be pathogenic, at this time, the clinical significance of this variant is uncertain due to the absence of conclusive functional and genetic evidence.

Blueprint Genetics
Classification: Uncertain significance. Last evaluated: 2022-10-05. Review status: criteria provided, single submitter. Criteria: ACMG Guidelines, 2015. Collection method: clinical testing. Allele origin: germline.

Labcorp Genetics (formerly Invitae), Labcorp
Classification: Uncertain significance. Last evaluated: 2019-09-09. Review status: criteria provided, single submitter. Criteria: Invitae Variant Classification Sherloc (09022015). Collection method: clinical testing. Allele origin: germline.
Comment: In summary, the available evidence is currently insufficient to determine the role of this variant in disease. Therefore, it has been classified as a Variant of Uncertain Significance. This variant has not been reported in the literature in individuals with BBIP1-related conditions. The frequency data for this variant in the population databases is considered unreliable, as metrics indicate insufficient coverage at this position in the ExAC database. This sequence change results in a premature translational stop signal in the BBIP1 gene (p.Asn15Thrfs*12). While this is not anticipated to result in nonsense mediated decay, it is expected to disrupt the last 78 amino acids of the BBIP1 protein.